The following is an entry in ClinVar:

NM_002055.5(GFAP):c.136C>G (p.Leu46Val)

Gene: GFAP (glial fibrillary acidic protein; minus strand). Cytogenetic location: 17q21.31.
Variant type: single nucleotide variant.
Coding change: c.136C>G on transcript NM_002055.5 (MANE Select); coding-DNA position 136, C replaced by G.
Protein change: p.Leu46Val; replaces leucine 46 with valine.
Molecular consequence: missense variant.
Genome position (GRCh38, 1-based): chr17:44,915,351, G>C on the plus strand (C>G on the coding strand, the complement: GFAP is on the minus strand). VCF-style: chr17-44915351-G-C. GRCh37 (hg19) VCF-style: chr17-42992719-G-C.
Other names: c.136C>G, p.Leu46Val (NM_001131019.3, NM_001242376.3, NM_001363846.2); short protein forms L46V.
Identifiers: ClinVar variation 1449234 (VCV001449234.8), dbSNP rs1347539627, ClinGen allele CA399849028.
Genomic context (GRCh38, chr17:44,915,351, plus strand): 5'-GGGTCTCCTTGAAGCCAGCATTGAGTGCCCCAGCCAGGGAGAAATCCACCCGGGTCGGGA[G>C]TGGAGGGGGCATTCGAGCCAGGGAGAGGCGGGTGCCAGGACCCAGACGGCGGCCAGGAGC-3'
Protein context (NP_002046.1, residues 36-56): RLSLARMPPP[Leu46Val]PTRVDFSLAG

ClinVar aggregate classification (germline): Uncertain significance (1 of 4 stars; one submission).

Allele frequency attached by ClinVar (database versions not stated): gnomAD exomes below 0.00001.
gnomAD v4.1: 1 of 1,612,198 alleles (0.000062%); highest among the groups gnomAD compares: Admixed American, 0.0017%; no homozygotes.

Submission:

Labcorp Genetics (formerly Invitae), Labcorp
Classification: Uncertain significance. Last evaluated: 2024-10-14. Review status: criteria provided, single submitter. Criteria: Invitae Variant Classification Sherloc (09022015). Collection method: clinical testing. Allele origin: germline.
Comment: This sequence change replaces leucine, which is neutral and non-polar, with valine, which is neutral and non-polar, at codon 46 of the GFAP protein (p.Leu46Val). This variant is present in population databases (no rsID available, gnomAD 0.003%). This variant has not been reported in the literature in individuals affected with GFAP-related conditions. ClinVar contains an entry for this variant (Variation ID: 1449234). Invitae Evidence Modeling of protein sequence and biophysical properties (such as structural, functional, and spatial information, amino acid conservation, physicochemical variation, residue mobility, and thermodynamic stability) indicates that this missense variant is not expected to disrupt GFAP protein function with a negative predictive value of 95%. In summary, the available evidence is currently insufficient to determine the role of this variant in disease. Therefore, it has been classified as a Variant of Uncertain Significance.